The following is an entry in ClinVar:

ClinVar aggregate classification (germline): Benign/Likely benign. Review status: criteria provided, multiple submitters, no conflicts (2 of 4 stars). 3 submissions from 3 submitters: Benign (1); Likely benign (1). 1 of the submissions does not count toward it. Last evaluated 2026-01-24.

Conditions:
FANCD2-related disorder. Also called: FANCD2-related condition.
Fanconi anemia (FA). Also called: Fanconi's anemia. Identifiers: Orphanet 84, MedGen C0015625, MeSH D005199, MONDO:0019391.

Allele frequency attached by ClinVar (database versions not stated): TOPMed 0.00016; 1000 Genomes Project 0.00040; 1000 Genomes Project 30x 0.00047.
gnomAD v4.1: 133 of 1,613,948 alleles (0.0082%); highest among the groups gnomAD compares: Admixed American, 0.17%; 1 homozygote.

Submissions (3):

Labcorp Genetics (formerly Invitae), Labcorp
Classification: Benign for Fanconi anemia. Last evaluated: 2026-01-24. Review status: criteria provided, single submitter. Criteria: Invitae Variant Classification Sherloc (09022015). Collection method: clinical testing. Allele origin: germline.

Blueprint Genetics
Classification: Likely benign. Last evaluated: 2023-03-29. Review status: criteria provided, single submitter. Criteria: ACMG Guidelines, 2015. Collection method: clinical testing. Allele origin: germline.

PreventionGenetics, part of Exact Sciences
Classification: Likely benign for FANCD2-related condition. Last evaluated: 2019-04-04. Review status: no assertion criteria provided. Collection method: clinical testing. Allele origin: germline. Not counted in ClinVar's aggregate classification.
Comment: This variant is classified as likely benign based on ACMG/AMP sequence variant interpretation guidelines (Richards et al. 2015 PMID: 25741868, with internal and published modifications).

NM_001018115.3(FANCD2):c.2103G>A (p.Pro701=)

Genes: FANCD2 (FA complementation group D2; plus strand), LOC107303338 (3p25 FANCD2 Alu-mediated recombination region; plus strand). Cytogenetic location: 3p25.3.
Variant type: single nucleotide variant.
Coding change: c.2103G>A on transcript NM_001018115.3 (MANE Select); coding-DNA position 2103, G replaced by A.
Protein change: p.Pro701=; no amino-acid change (proline 701 retained).
Molecular consequence: synonymous variant.
Genome position (GRCh38, 1-based): chr3:10,064,810, G>A. VCF-style: chr3-10064810-G-A. GRCh37 (hg19) VCF-style: chr3-10106494-G-A.
Other names: c.2103G>A (NM_001018115.2); c.2103G>A, p.Pro701= (NM_001319984.2, NM_001374254.1, NM_033084.6); c.1992G>A, p.Pro664= (NM_001374253.1).
Identifiers: ClinVar variation 1164134 (VCV001164134.12), dbSNP rs139033444, ClinGen allele CA2249964.